The following is an entry in ClinVar:

ClinVar aggregate classification (germline): Uncertain significance (1 of 4 stars; one submission).

Submission:

Labcorp Genetics (formerly Invitae), Labcorp
Classification: Uncertain significance. Last evaluated: 2024-04-22. Review status: criteria provided, single submitter. Criteria: Invitae Variant Classification Sherloc (09022015). Collection method: clinical testing. Allele origin: germline.
Comment: This sequence change replaces glycine, which is neutral and non-polar, with serine, which is neutral and polar, at codon 72 of the KCNQ5 protein (p.Gly72Ser). This variant is not present in population databases (gnomAD no frequency). This variant has not been reported in the literature in individuals affected with KCNQ5-related conditions. Advanced modeling of protein sequence and biophysical properties (such as structural, functional, and spatial information, amino acid conservation, physicochemical variation, residue mobility, and thermodynamic stability) performed at Invitae indicates that this missense variant is not expected to disrupt KCNQ5 protein function with a negative predictive value of 95%. In summary, the available evidence is currently insufficient to determine the role of this variant in disease. Therefore, it has been classified as a Variant of Uncertain Significance.

NM_019842.4(KCNQ5):c.214G>A (p.Gly72Ser)

Genes: KCNQ5 (potassium voltage-gated channel subfamily Q member 5; plus strand), KCNQ5-DT (KCNQ5 divergent transcript; minus strand). Cytogenetic location: 6q13.
Variant type: single nucleotide variant.
Coding change: c.214G>A on transcript NM_019842.4 (MANE Select); coding-DNA position 214, G replaced by A.
Protein change: p.Gly72Ser; replaces glycine 72 with serine.
Molecular consequence: missense variant.
Genome position (GRCh38, 1-based): chr6:72,622,403, G>A. VCF-style: chr6-72622403-G-A. GRCh37 (hg19) VCF-style: chr6-73332131-G-A.
Other names: c.214G>A, p.Gly72Ser (NM_001160130.2, NM_001160132.2, NM_001160133.2 and 1 more transcripts); short protein forms G72S.
Identifiers: ClinVar variation 2991371 (VCV002991371.3), dbSNP rs2481568587, ClinGen allele CA364824376.
Genomic context (GRCh38, chr6:72,622,403, plus strand): 5'-GCCGCCAGGGGCGACGGCCTGCTACTGCTGGGCACCCGCGCGGCCACGCTCGGTGGCGGC[G>A]GCGGTGGCCTGAGGGAGAGCCGCCGGGGCAAGCAGGGGGCCCGGATGAGCCTGCTGGGGA-3'
Protein context (NP_062816.2, residues 62-82): GTRAATLGGG[Gly72Ser]GGLRESRRGK